The following is an entry in ClinVar:

NM_000132.4(F8):c.241G>T (p.Ala81Ser)

Gene: F8 (coagulation factor VIII; minus strand). Cytogenetic location: Xq28.
Variant type: single nucleotide variant.
Coding change: c.241G>T on transcript NM_000132.4 (MANE Select); coding-DNA position 241, G replaced by T.
Protein change: p.Ala81Ser; replaces alanine 81 with serine.
Molecular consequence: missense variant.
Genome position (GRCh38, 1-based): chrX:154,999,503, C>A on the plus strand (G>T on the coding strand, the complement: F8 is on the minus strand). VCF-style: chrX-154999503-C-A. GRCh37 (hg19) VCF-style: chrX-154227778-C-A.
Other names: short protein forms A81S.
Identifiers: ClinVar variation 2573370 (VCV002573370.1), dbSNP rs1210085395, ClinGen allele CA414920194.

ClinVar aggregate classification (germline): Uncertain significance (1 of 4 stars; one submission).

gnomAD v4.1: 1 of 1,207,252 alleles (0.000083%); highest among the groups gnomAD compares: Admixed American, 0.0022%; no homozygotes.

Submission:

Women's Health and Genetics/Laboratory Corporation of America, LabCorp
Classification: Uncertain significance. Last evaluated: 2023-06-20. Review status: criteria provided, single submitter. Criteria: LabCorp Variant Classification Summary - May 2015. Collection method: clinical testing. Allele origin: germline.
Comment: Variant summary: F8 c.241G>T (p.Ala81Ser) results in a conservative amino acid change in the encoded protein sequence. Three of five in-silico tools predict a benign effect of the variant on protein function. The variant allele was found at a frequency of 5.5e-06 in 183466 control chromosomes in gnomAD. The available data on variant occurrences in the general population are insufficient to allow any conclusion about variant significance. c.241G>T has been reported in the literature in an individual affected with Factor VIII Deficiency (Hemophilia A) (example: Johnsen_2017,2022). These reports do not provide unequivocal conclusions about association of the variant with Factor VIII Deficiency (Hemophilia A). To our knowledge, no experimental evidence demonstrating an impact on protein function has been reported. The following publications have been ascertained in the context of this evaluation (PMID: 29296726, 35770352). No submitters have cited clinical-significance assessments for this variant to ClinVar after 2014. Based on the evidence outlined above, the variant was classified as uncertain significance.

Literature cited by the submitters: PubMed 35770352; PubMed 29296726.